The following is an entry in ClinVar:

NM_057093.2(CRYBA2):c.108C>T (p.Val36=)

Gene: CRYBA2 (crystallin beta A2; minus strand). Cytogenetic location: 2q35.
Variant type: single nucleotide variant.
Coding change: c.108C>T on transcript NM_057093.2 (MANE Select); coding-DNA position 108, C replaced by T.
Protein change: p.Val36=; no amino-acid change (valine 36 retained).
Molecular consequence: synonymous variant.
Genome position (GRCh38, 1-based): chr2:218,993,069, G>A on the plus strand (C>T on the coding strand, the complement: CRYBA2 is on the minus strand). VCF-style: chr2-218993069-G-A. GRCh37 (hg19) VCF-style: chr2-219857791-G-A.
Other names: c.108C>T, p.Val36= (NM_057094.2).
Identifiers: ClinVar variation 4083960 (VCV004083960.8).

ClinVar aggregate classification (germline): Likely benign (1 of 4 stars; one submission).

Submission:

CeGaT Center for Human Genetics Tuebingen
Classification: Likely benign. Last evaluated: 2026-02-01. Review status: criteria provided, single submitter. Criteria: CeGaT Center For Human Genetics Tuebingen Variant Classification Criteria Version 2. Collection method: clinical testing. Allele origin: germline. Affected: yes. Observed: 2 variant alleles.
Comment: CRYBA2: BP4, BP7, BS1